The following is an entry in ClinVar:

ClinVar aggregate classification (germline): Uncertain significance. Review status: criteria provided, multiple submitters, no conflicts (2 of 4 stars). 3 submissions from 3 submitters: Uncertain significance (3). Last evaluated 2025-07-27.

Conditions:
Hereditary cancer-predisposing syndrome. Also called: Tumor predisposition; Neoplastic Syndromes, Hereditary; Hereditary Cancer Syndrome; Hereditary neoplastic syndrome. Identifiers: Orphanet 140162, MedGen C0027672, MeSH D009386, MONDO:0015356.
Birt-Hogg-Dube syndrome. Also called: Birt Hogg Dubé syndrome. Identifiers: Orphanet 122, MedGen C0346010, MONDO:0800444.

Submissions (3):

Quest Diagnostics Nichols Institute San Juan Capistrano
Classification: Uncertain significance. Last evaluated: 2025-07-27. Review status: criteria provided, single submitter. Criteria: Quest Diagnostics criteria. Collection method: clinical testing. Allele origin: unknown.
Comment: The FLCN c.1720G>A (p.Ala574Thr) variant has not been reported in individuals with FLCN-related conditions in the published literature. This variant has not been reported in large, multi-ethnic general populations (Genome Aggregation Database). Analysis of this variant using bioinformatics tools for the prediction of the effect of amino acid changes on protein structure and function yielded predictions that this variant is benign. Based on the available information, we are unable to determine the clinical significance of this variant.

Ambry Genetics
Classification: Uncertain significance for Hereditary cancer-predisposing syndrome. Last evaluated: 2023-06-21. Review status: criteria provided, single submitter. Criteria: Ambry Variant Classification Scheme 2023. Collection method: clinical testing. Allele origin: germline.
Comment: The p.A574T variant (also known as c.1720G>A), located in coding exon 11 of the FLCN gene, results from a G to A substitution at nucleotide position 1720. The alanine at codon 574 is replaced by threonine, an amino acid with similar properties. This amino acid position is conserved. In addition, this alteration is predicted to be tolerated by in silico analysis. Since supporting evidence is limited at this time, the clinical significance of this alteration remains unclear.

Labcorp Genetics (formerly Invitae), Labcorp
Classification: Uncertain significance for Birt-Hogg-Dube syndrome. Last evaluated: 2023-02-26. Review status: criteria provided, single submitter. Criteria: Invitae Variant Classification Sherloc (09022015). Collection method: clinical testing. Allele origin: germline.
Comment: This sequence change replaces alanine, which is neutral and non-polar, with threonine, which is neutral and polar, at codon 574 of the FLCN protein (p.Ala574Thr). This variant is not present in population databases (gnomAD no frequency). In summary, the available evidence is currently insufficient to determine the role of this variant in disease. Therefore, it has been classified as a Variant of Uncertain Significance. Algorithms developed to predict the effect of missense changes on protein structure and function output the following: SIFT: "Not Available"; PolyPhen-2: "Benign"; Align-GVGD: "Not Available". The threonine amino acid residue is found in multiple mammalian species, which suggests that this missense change does not adversely affect protein function. This variant has not been reported in the literature in individuals affected with FLCN-related conditions.

NM_144997.7(FLCN):c.1720G>A (p.Ala574Thr)

Gene: FLCN (folliculin; minus strand). Cytogenetic location: 17p11.2.
Variant type: single nucleotide variant.
Coding change: c.1720G>A on transcript NM_144997.7 (MANE Select); coding-DNA position 1720, G replaced by A.
Protein change: p.Ala574Thr; replaces alanine 574 with threonine.
Molecular consequence: missense variant.
Genome position (GRCh38, 1-based): chr17:17,213,675, C>T on the plus strand (G>A on the coding strand, the complement: FLCN is on the minus strand). VCF-style: chr17-17213675-C-T. GRCh37 (hg19) VCF-style: chr17-17116989-C-T.
Other names: c.1720G>A (NM_144997.6); c.1774G>A, p.Ala592Thr (NM_001353229.2); c.1720G>A, p.Ala574Thr (NM_001353230.2, NM_001353231.2); short protein forms A574T, A592T.
Identifiers: ClinVar variation 2624777 (VCV002624777.6), dbSNP rs2544121163, ClinGen allele CA398529786.